The following is an entry in ClinVar:

NM_001366900.1(TTC21A):c.3025_3043del (p.Leu1009fs)

Gene: TTC21A (tetratricopeptide repeat domain 21A; plus strand). Cytogenetic location: 3p22.2.
Variant type: Deletion.
Coding change: c.3025_3043del on transcript NM_001366900.1 (MANE Select); coding-DNA positions 3025 to 3043, 19 bases deleted (TTGGCCAAGAAGGTGTCTA).
Protein change: p.Leu1009fs; shifts the reading frame from leucine 1009.
Molecular consequence: frameshift variant. On other transcripts: non-coding transcript variant (3).
Genome position (GRCh38, 1-based): chr3:39,136,437-39,136,455, TTGGCCAAGAAGGTGTCTA deleted; deleting any 19 consecutive bases within chr3:39,136,436-39,136,455 gives the same sequence; the c. name uses the placement nearest the transcript's 3' end. VCF-style (leftmost placement, unchanged base first): chr3-39136435-AATTGGCCAAGAAGGTGTCT-A. GRCh37 (hg19) VCF-style: chr3-39177926-AATTGGCCAAGAAGGTGTCT-A.
Other names: c.2902_2920del, p.Leu968fs (NM_001105513.3); c.3049_3067del, p.Leu1017fs (NM_001366899.1); c.3046_3064del, p.Leu1016fs (NM_145755.3); short protein forms L1009fs, L1016fs, L1017fs, L968fs.
Identifiers: ClinVar variation 2636901 (VCV002636901.1), dbSNP rs2039119649, ClinGen allele CA1358824319.

ClinVar aggregate classification (germline): Likely pathogenic (1 of 4 stars; one submission).

Conditions:
TTC21A-related disorder. Also called: TTC21A-related condition.

Submission:

PreventionGenetics, part of Exact Sciences
Classification: Likely pathogenic for TTC21A-related condition. Last evaluated: 2023-05-10. Review status: criteria provided, single submitter. Criteria: ACMG Guidelines, 2015. Collection method: clinical testing. Allele origin: germline.
Comment: The TTC21A c.3046_3064del19 variant is predicted to result in a frameshift and premature protein termination (p.Leu1016Alafs*20). To our knowledge, this variant has not been reported in the literature or in a large population database, indicating this variant is rare. Frameshift variants in TTC21A are expected to be pathogenic. This variant is interpreted as likely pathogenic.